The following is an entry in ClinVar:

ClinVar aggregate classification (germline): Likely pathogenic (0 of 4 stars; one submission).

Conditions:
Familial cancer of breast. Also called: hereditary breast carcinoma; Hereditary breast cancer; BREAST CANCER, FAMILIAL. Identifiers: Orphanet 227535, MedGen C0346153, MONDO:0016419, OMIM 114480. Disease mechanism: loss of function.

Submission:

deCODE genetics, Amgen
Classification: Likely pathogenic for Familial cancer of breast. Last evaluated: 2023-07-21. Review status: no assertion criteria provided. Collection method: research. Allele origin: germline. Affected: yes. Observed: 1 variant allele.
Comment: The variant NM_024675.4:c.1933del (chr16:23630220) in PALB2 was detected in 1 heterozygote out of 58K WGS Icelanders (MAF= 0,001%). This variant has not been reported in ClinVar previously. Based on ACMG criteria (PVS1, PM2) this variant classifies as likely pathogenic.

NM_024675.4(PALB2):c.1933del (p.Glu645fs)

Gene: PALB2 (partner and localizer of BRCA2; minus strand). Cytogenetic location: 16p12.2.
Variant type: Deletion.
Coding change: c.1933del on transcript NM_024675.4 (MANE Select); coding-DNA position 1933, one base deleted (G; older notation c.1933delG).
Protein change: p.Glu645fs; shifts the reading frame from glutamic acid 645.
Molecular consequence: frameshift variant. On other transcripts: intron variant (1).
Genome position (GRCh38, 1-based): chr16:23,630,221, C deleted on the plus strand (G on the coding strand, the reverse complement: PALB2 is on the minus strand). VCF-style (leftmost placement, unchanged base first): chr16-23630220-TC-T. GRCh37 (hg19) VCF-style: chr16-23641541-TC-T.
Other names: c.1873del, p.Glu625fs (NM_001407296.1); c.1933del, p.Glu645fs (NM_001407297.1, NM_001407298.1, NM_001407299.1 and 3 more transcripts); c.1048del, p.Glu350fs (NM_001407304.1, NM_001407305.1, NM_001407306.1 and 5 more transcripts); c.145del, p.Glu49fs (NM_001407312.1, NM_001407313.1); c.49-946del (NM_001407314.1); short protein forms E350fs, E49fs, E625fs, E645fs.
Identifiers: ClinVar variation 2574090 (VCV002574090.1), dbSNP rs1567218463, ClinGen allele CA919676555.